The following is an entry in ClinVar:

NM_012213.3(MLYCD):c.1481dup (p.Ter494TrpextTer?)

Gene: MLYCD (malonyl-CoA decarboxylase; plus strand). Cytogenetic location: 16q23.3.
Variant type: Duplication.
Coding change: c.1481dup on transcript NM_012213.3 (MANE Select); coding-DNA position 1481, one base duplicated (G; older notation c.1481dupG).
Protein change: p.Ter494TrpextTer?.
Molecular consequence: frameshift variant, stop lost.
Genome position (GRCh38, 1-based): chr16:83,915,488, G duplicated. VCF-style (leftmost placement, unchanged base first): chr16-83915487-T-TG. GRCh37 (hg19) VCF-style: chr16-83949092-T-TG.
Identifiers: ClinVar variation 1919144 (VCV001919144.2), dbSNP rs866290352, ClinGen allele CA285430554.
Genomic context (GRCh38, chr16:83,915,487, plus strand): 5'-ATCAAAGCCTCTGAGCAGGTCCTCAGCCTAGTGGCCCAGTTTCAAAAGAACAGCAAGCTC[T>TG]GACAGTAAACCTCTCCTAAAGCACAGGGCCCCGGCTAAGAAAACGATCATTTTCAGGAGG-3'

ClinVar aggregate classification (germline): Uncertain significance (1 of 4 stars; one submission).

Conditions:
Deficiency of malonyl-CoA decarboxylase. Also called: Malonic aciduria; MCD deficiency. Identifiers: Orphanet 943, MedGen C0342793, MONDO:0009556, OMIM 248360.

Allele frequency attached by ClinVar (database versions not stated): gnomAD exomes below 0.00001; gnomAD 0.00001; TOPMed 0.00001.

Submission:

Labcorp Genetics (formerly Invitae), Labcorp
Classification: Uncertain significance for Deficiency of malonyl-CoA decarboxylase. Last evaluated: 2022-08-09. Review status: criteria provided, single submitter. Criteria: Invitae Variant Classification Sherloc (09022015). Collection method: clinical testing. Allele origin: germline.
Comment: This sequence change disrupts the translational stop signal of the MLYCD mRNA. It is expected to extend the length of the MLYCD protein by 6 additional amino acid residues. This variant is present in population databases (no rsID available, gnomAD 0.01%). This variant has not been reported in the literature in individuals affected with MLYCD-related conditions. In summary, the available evidence is currently insufficient to determine the role of this variant in disease. Therefore, it has been classified as a Variant of Uncertain Significance.